The following is an entry in ClinVar:

NM_175053.4(KRT74):c.853C>T (p.Gln285Ter)

Gene: KRT74 (keratin 74; minus strand). Cytogenetic location: 12q13.13.
Variant type: single nucleotide variant.
Coding change: c.853C>T on transcript NM_175053.4 (MANE Select); coding-DNA position 853, C replaced by T.
Protein change: p.Gln285Ter; replaces glutamine 285 with a stop codon.
Molecular consequence: nonsense.
Genome position (GRCh38, 1-based): chr12:52,570,824, G>A on the plus strand (C>T on the coding strand, the complement: KRT74 is on the minus strand). VCF-style: chr12-52570824-G-A. GRCh37 (hg19) VCF-style: chr12-52964608-G-A.
Other names: short protein forms Q285*.
Identifiers: ClinVar variation 2896395 (VCV002896395.5), dbSNP rs147781415, ClinGen allele CA6583903.

ClinVar aggregate classification (germline): Conflicting classifications of pathogenicity. Review status: criteria provided, conflicting classifications (1 of 4 stars). 3 submissions from 3 submitters: Likely pathogenic (1); Uncertain significance (2). Last evaluated 2025-08-29.

Conditions:
Ectodermal dysplasia 7, hair/nail type (ECTD7). Identifiers: Orphanet 69084, MedGen C3554117, MONDO:0013975, OMIM 614929.

Allele frequency attached by ClinVar (database versions not stated): gnomAD 0.00016; 1000 Genomes Project 0.00020; ESP Exome Variant Server 0.00015; TOPMed 0.00025; 1000 Genomes Project 30x 0.00031.
gnomAD v4.1: 47 of 1,614,246 alleles (0.0029%); highest among the groups gnomAD compares: African/African-American, 0.047%; no homozygotes.

Submissions (3):

First Genomix Gene Laboratory, Genetic Diagnostics Department
Classification: Likely pathogenic for Ectodermal dysplasia 7, hair/nail type. Last evaluated: 2025-08-29. Review status: criteria provided, single submitter. Criteria: ACMG Guidelines, 2015. Collection method: clinical testing. Allele origin: germline. Inheritance: Autosomal recessive inheritance. Affected: no. Observed: 1 variant allele.

Dasa
Classification: Uncertain significance. Last evaluated: 2025-04-07. Review status: criteria provided, single submitter. Criteria: DASA Assertion Criteria. Collection method: clinical testing. Allele origin: germline.
Comment: NM_175053.4(KRT74):c.853C>T (p.Gln285*) is a nonsense variant in KRT74 predicted to introduce a premature termination codon and is predicted to result in an absent or altered protein product. This variant is rare in population databases. The currently available literature and clinical evidence are not sufficient to establish a definitive association between this variant and the reported condition. Therefore, this variant is classified as a variant of uncertain significance.

Labcorp Genetics (formerly Invitae), Labcorp
Classification: Uncertain significance. Last evaluated: 2024-07-07. Review status: criteria provided, single submitter. Criteria: Invitae Variant Classification Sherloc (09022015). Collection method: clinical testing. Allele origin: germline.
Comment: This sequence change creates a premature translational stop signal (p.Gln285*) in the KRT74 gene. It is expected to result in an absent or disrupted protein product. However, the current clinical and genetic evidence is not sufficient to establish whether loss-of-function variants in KRT74 cause disease. This variant is present in population databases (rs147781415, gnomAD 0.05%). This variant has not been reported in the literature in individuals affected with KRT74-related conditions. In summary, the available evidence is currently insufficient to determine the role of this variant in disease. Therefore, it has been classified as a Variant of Uncertain Significance.